The following is an entry in ClinVar:

NM_018136.5(ASPM):c.4414C>T (p.Gln1472Ter)

Gene: ASPM (assembly factor for spindle microtubules; minus strand). Cytogenetic location: 1q31.3.
Variant type: single nucleotide variant.
Coding change: c.4414C>T on transcript NM_018136.5 (MANE Select); coding-DNA position 4414, C replaced by T.
Protein change: p.Gln1472Ter; replaces glutamine 1472 with a stop codon.
Molecular consequence: nonsense. On other transcripts: intron variant (1).
Genome position (GRCh38, 1-based): chr1:197,104,837, G>A on the plus strand (C>T on the coding strand, the complement: ASPM is on the minus strand). VCF-style: chr1-197104837-G-A. GRCh37 (hg19) VCF-style: chr1-197073967-G-A.
Other names: c.4066-8673C>T (NM_001206846.2); short protein forms Q1472*.
Identifiers: ClinVar variation 1202983 (VCV001202983.8), dbSNP rs2125096662, ClinGen allele CA344030554.

ClinVar aggregate classification (germline): Pathogenic/Likely pathogenic. Review status: criteria provided, multiple submitters, no conflicts (2 of 4 stars). 3 submissions from 3 submitters: Pathogenic (2); Likely pathogenic (1). Last evaluated 2024-10-22.

Conditions:
ASPM-related disorder. Also called: ASPM-related condition.

Allele frequency attached by ClinVar (database versions not stated): gnomAD exomes below 0.00001.
gnomAD v4.1: 2 of 1,594,458 alleles (0.00013%); highest among the groups gnomAD compares: Admixed American, 0.0017%; no homozygotes.

Submissions (3):

Labcorp Genetics (formerly Invitae), Labcorp
Classification: Pathogenic. Last evaluated: 2024-10-22. Review status: criteria provided, single submitter. Criteria: Invitae Variant Classification Sherloc (09022015). Collection method: clinical testing. Allele origin: germline.
Comment: This sequence change creates a premature translational stop signal (p.Gln1472*) in the ASPM gene. It is expected to result in an absent or disrupted protein product. Loss-of-function variants in ASPM are known to be pathogenic (PMID: 19028728, 23611254). This variant is not present in population databases (gnomAD no frequency). This variant has not been reported in the literature in individuals affected with ASPM-related conditions. ClinVar contains an entry for this variant (Variation ID: 1202983). For these reasons, this variant has been classified as Pathogenic.

GeneDx
Classification: Pathogenic. Last evaluated: 2024-08-13. Review status: criteria provided, single submitter. Criteria: GeneDx Variant Classification Process June 2021. Collection method: clinical testing. Allele origin: germline. Affected: yes.
Comment: Nonsense variant predicted to result in protein truncation or nonsense mediated decay in a gene for which loss of function is a known mechanism of disease; Not observed at significant frequency in large population cohorts (gnomAD); Has not been previously published as pathogenic or benign to our knowledge

Blueprint Genetics
Classification: Likely pathogenic for ASPM-related disorders. Last evaluated: 2019-05-02. Review status: criteria provided, single submitter. Criteria: ACMG Guidelines, 2015. Collection method: clinical testing. Allele origin: germline. Affected: yes. Observed: 1 variant allele.

Literature cited by the submitters: PubMed 19028728 (cited by Labcorp Genetics (formerly Invitae), Labcorp); PubMed 23611254 (cited by Labcorp Genetics (formerly Invitae), Labcorp).